The following is an entry in ClinVar:

ClinVar aggregate classification (germline): Benign. Review status: criteria provided, single submitter (1 of 4 stars). 2 submissions from 2 submitters: Benign (1). 1 of the submissions does not count toward it. Last evaluated 2025-09-02.

Conditions:
PDE4D-related disorder. Also called: PDE4D-related condition.

Allele frequency attached by ClinVar (database versions not stated): gnomAD exomes 0.00004 and 0.00005; ExAC 0.00022; ESP Exome Variant Server 0.00025; gnomAD 0.00036; TOPMed 0.00038; 1000 Genomes Project 0.00140; 1000 Genomes Project 30x 0.00141.
gnomAD v4.1: 118 of 1,557,608 alleles (0.0076%); highest among the groups gnomAD compares: African/African-American, 0.12%; no homozygotes.

Submissions (2):

Labcorp Genetics (formerly Invitae), Labcorp
Classification: Benign. Last evaluated: 2025-09-02. Review status: criteria provided, single submitter. Criteria: Invitae Variant Classification Sherloc (09022015). Collection method: clinical testing. Allele origin: germline.

PreventionGenetics, part of Exact Sciences
Classification: Likely benign for PDE4D-related condition. Last evaluated: 2021-12-01. Review status: no assertion criteria provided. Collection method: clinical testing. Allele origin: germline. Not counted in ClinVar's aggregate classification.
Comment: This variant is classified as likely benign based on ACMG/AMP sequence variant interpretation guidelines (Richards et al. 2015 PMID: 25741868, with internal and published modifications).

NM_001104631.2(PDE4D):c.384G>A (p.Val128=)

Gene: PDE4D (phosphodiesterase 4D; minus strand). Cytogenetic location: 5q12.1.
Variant type: single nucleotide variant.
Coding change: c.384G>A on transcript NM_001104631.2 (MANE Select); coding-DNA position 384, G replaced by A.
Protein change: p.Val128=; no amino-acid change (valine 128 retained).
Molecular consequence: synonymous variant. On other transcripts: intron variant (5).
Genome position (GRCh38, 1-based): chr5:59,893,239, C>T on the plus strand (G>A on the coding strand, the complement: PDE4D is on the minus strand). VCF-style: chr5-59893239-C-T. GRCh37 (hg19) VCF-style: chr5-59189066-C-T.
Other names: c.272+95249G>A (NM_001364599.1, NM_001165899.2, NM_001364600.2); c.-240+95249G>A (NM_001349243.2); c.242+95249G>A (NM_001349241.2); c.384G>A (NM_001104631.1).
Identifiers: ClinVar variation 1602129 (VCV001602129.10), dbSNP rs199921438, ClinGen allele CA3276662.